The following is an entry in ClinVar:

NM_000504.4(F10):c.1110G>A (p.Lys370=)

Genes: F10 (coagulation factor X; plus strand), F10-AS2 (F10 antisense RNA 2; minus strand). Cytogenetic location: 13q34.
Variant type: single nucleotide variant.
Coding change: c.1110G>A on transcript NM_000504.4 (MANE Select); coding-DNA position 1110, G replaced by A.
Protein change: p.Lys370=; no amino-acid change (lysine 370 retained).
Molecular consequence: synonymous variant. On other transcripts: 3 prime UTR variant (1).
Genome position (GRCh38, 1-based): chr13:113,149,160, G>A. VCF-style: chr13-113149160-G-A. GRCh37 (hg19) VCF-style: chr13-113803474-G-A.
Other names: c.978G>A, p.Lys326= (NM_001312674.2); c.*101G>A (NM_001312675.2).
Identifiers: ClinVar variation 4990830 (VCV004990830.1).

ClinVar aggregate classification (germline): Likely benign (1 of 4 stars; one submission).

Conditions:
F10-related disorder. Also called: F10-related condition.

gnomAD v4.1: 3 of 1,612,924 alleles (0.00019%); highest among the groups gnomAD compares: African/African-American, 0.0013%; no homozygotes.

Submission:

PreventionGenetics, part of Exact Sciences
Classification: Likely benign for F10-related condition. Last evaluated: 2026-08-30. Review status: criteria provided, single submitter. Criteria: ACMG Guidelines, 2015. Collection method: clinical testing. Allele origin: germline.
Comment: This variant is classified as likely benign based on ACMG/AMP sequence variant interpretation guidelines (Richards et al. 2015 PMID: 25741868, with internal and published modifications).